The following is an entry in ClinVar:

ClinVar aggregate classification (germline): Uncertain significance (1 of 4 stars; one submission).

Submission:

Labcorp Genetics (formerly Invitae), Labcorp
Classification: Uncertain significance. Last evaluated: 2024-01-11. Review status: criteria provided, single submitter. Criteria: Invitae Variant Classification Sherloc (09022015). Collection method: clinical testing. Allele origin: germline.
Comment: This sequence change falls in intron 20 of the RNF31 gene. It does not directly change the encoded amino acid sequence of the RNF31 protein. This variant is not present in population databases (gnomAD no frequency). This variant has not been reported in the literature in individuals affected with RNF31-related conditions. Algorithms developed to predict the effect of sequence changes on RNA splicing suggest that this variant may disrupt the consensus splice site. In summary, the available evidence is currently insufficient to determine the role of this variant in disease. Therefore, it has been classified as a Variant of Uncertain Significance.

NM_017999.5(RNF31):c.3166-17TC[2]

Gene: RNF31 (ring finger protein 31; plus strand). Cytogenetic location: 14q12.
Variant type: Microsatellite.
Coding change: c.3166-17TC[2] on transcript NM_017999.5 (MANE Select); two copies in a row of the 2-base unit TC starting at c.3166-17; the reference has four copies in a row; two copies, 4 bases deleted.
Molecular consequence: intron variant.
Genome position (GRCh38, 1-based): chr14:24,160,507-24,160,510, TCTC deleted; deleting any 4 consecutive bases within chr14:24,160,503-24,160,510 gives the same sequence; the position shown is the placement nearest the transcript's 3' end. VCF-style (leftmost placement, unchanged base first): chr14-24160502-TTCTC-T. GRCh37 (hg19) VCF-style: chr14-24629711-TTCTC-T.
Other names: c.2713-17TC[2] (NM_001310332.2).
Identifiers: ClinVar variation 2872259 (VCV002872259.3), dbSNP rs1300455135, ClinGen allele CA2739277819.